The following is an entry in ClinVar:

NM_001378454.1(ALMS1):c.2751T>A (p.Phe917Leu)

Gene: ALMS1 (ALMS1 centrosome and basal body associated protein; plus strand). Cytogenetic location: 2p13.1.
Variant type: single nucleotide variant.
Coding change: c.2751T>A on transcript NM_001378454.1 (MANE Select); coding-DNA position 2751, T replaced by A.
Protein change: p.Phe917Leu; replaces phenylalanine 917 with leucine.
Molecular consequence: missense variant.
Genome position (GRCh38, 1-based): chr2:73,449,278, T>A. VCF-style: chr2-73449278-T-A. GRCh37 (hg19) VCF-style: chr2-73676405-T-A.
Other names: c.2754T>A, p.Phe918Leu (NM_015120.4); short protein forms F917L, F918L.
Identifiers: ClinVar variation 2113959 (VCV002113959.4), dbSNP rs2103776411, ClinGen allele CA347271774.
Genomic context (GRCh38, chr2:73,449,278, plus strand): 5'-GACTGGGATACCCTCAGCACCATCTAGTTTCTACTCACACAGAGAGAAGCCCATTATTTT[T>A]TCCCAGCAGACCCTGCCAGACTTTCTTTTCCCTGAAGAAGCTCTGAAGGTTTCAGCTGTT-3'
Protein context (NP_001365383.1, residues 907-927): FYSHREKPII[Phe917Leu]SQQTLPDFLF

ClinVar aggregate classification (germline): Uncertain significance (1 of 4 stars; one submission).

Conditions:
Alstrom syndrome (ALMS). Identifiers: Orphanet 64, MedGen C0268425, MONDO:0008763, OMIM 203800.

Submission:

Labcorp Genetics (formerly Invitae), Labcorp
Classification: Uncertain significance for Alstrom syndrome. Last evaluated: 2022-03-18. Review status: criteria provided, single submitter. Criteria: Invitae Variant Classification Sherloc (09022015). Collection method: clinical testing. Allele origin: germline.
Comment: This sequence change replaces phenylalanine, which is neutral and non-polar, with leucine, which is neutral and non-polar, at codon 918 of the ALMS1 protein (p.Phe918Leu). This variant is not present in population databases (gnomAD no frequency). This variant has not been reported in the literature in individuals affected with ALMS1-related conditions. Experimental studies and prediction algorithms are not available or were not evaluated, and the functional significance of this variant is currently unknown. In summary, the available evidence is currently insufficient to determine the role of this variant in disease. Therefore, it has been classified as a Variant of Uncertain Significance.